The following is an entry in ClinVar:

NM_000090.4(COL3A1):c.3536G>T (p.Gly1179Val)

Gene: COL3A1 (collagen type III alpha 1 chain; plus strand). Cytogenetic location: 2q32.2.
Variant type: single nucleotide variant.
Coding change: c.3536G>T on transcript NM_000090.4 (MANE Select); coding-DNA position 3536, G replaced by T.
Protein change: p.Gly1179Val; replaces glycine 1179 with valine.
Molecular consequence: missense variant.
Genome position (GRCh38, 1-based): chr2:189,008,934, G>T. VCF-style: chr2-189008934-G-T. GRCh37 (hg19) VCF-style: chr2-189873660-G-T.
Identifiers: ClinVar variation 101352 (VCV000101352.8), dbSNP rs587779627, ClinGen allele CA006617.

ClinVar aggregate classification (germline): Likely pathogenic. Review status: criteria provided, multiple submitters, no conflicts (2 of 4 stars). 3 submissions from 3 submitters: Likely pathogenic (2). 1 of the submissions does not count toward it. Last evaluated 2022-07-01.

Conditions:
Ehlers-Danlos syndrome, type 4 (EDSVASC). Also called: Ehlers-Danlos syndrome vascular type; Ehlers Danlos syndrome, ecchymotic type; Ehlers Danlos syndrome, arterial type; Ehlers Danlos syndrome, Sack-Barabas type; Ehlers-Danlos Syndrome Type IV. Identifiers: Orphanet 286, MedGen C0268338, MONDO:0017314, OMIM 130050.

Submissions (3):

GeneDx
Classification: Likely pathogenic. Last evaluated: 2022-07-01. Review status: criteria provided, single submitter. Criteria: GeneDx Variant Classification Process June 2021. Collection method: clinical testing. Allele origin: germline. Affected: yes.
Comment: Occurs in the triple helical domain and replaces the glycine in the canonical Gly-X-Y repeat; missense substitution of a canonical glycine residue is expected to disrupt normal protein folding and function, and this is an established mechanism of disease (HGMD); Not observed at significant frequency in large population cohorts (gnomAD); In silico analysis supports that this missense variant has a deleterious effect on protein structure/function; This variant is associated with the following publications: (PMID: 24922459, 9036918, 10706896)

Labcorp Genetics (formerly Invitae), Labcorp
Classification: Likely pathogenic for Ehlers-Danlos syndrome, type 4. Last evaluated: 2022-03-11. Review status: criteria provided, single submitter. Criteria: Invitae Variant Classification Sherloc (09022015). Collection method: clinical testing. Allele origin: germline.
Comment: In summary, the currently available evidence indicates that the variant is pathogenic, but additional data are needed to prove that conclusively. Therefore, this variant has been classified as Likely Pathogenic. This variant disrupts the triple helix domain of COL3A1. Glycine residues within the Gly-Xaa-Yaa repeats of the triple helix domain are required for the structure and stability of fibrillar collagens (PMID: 7695699, 8218237, 19344236). In COL3A1, variants that affect these glycine residues are significantly enriched in individuals with disease (PMID: 24922459, 25758994) compared to the general population (ExAC). Advanced modeling of protein sequence and biophysical properties (such as structural, functional, and spatial information, amino acid conservation, physicochemical variation, residue mobility, and thermodynamic stability) performed at Invitae indicates that this missense variant is expected to disrupt COL3A1 protein function. ClinVar contains an entry for this variant (Variation ID: 101352). This missense change has been observed in individual(s) with vascular Ehlers-Danlos syndrome (PMID: 24922459; Invitae). This variant is not present in population databases (gnomAD no frequency). This sequence change replaces glycine, which is neutral and non-polar, with valine, which is neutral and non-polar, at codon 1179 of the COL3A1 protein (p.Gly1179Val).

Collagen Diagnostic Laboratory, University of Washington
Classification: Pathogenic for Ehlers-Danlos syndrome, type 4. Review status: no assertion criteria provided. Collection method: clinical testing. Allele origin: germline. Affected: yes. Not counted in ClinVar's aggregate classification.

Literature cited by the submitters: PubMed 7695699 (cited by Labcorp Genetics (formerly Invitae), Labcorp); PubMed 8218237 (cited by Labcorp Genetics (formerly Invitae), Labcorp); PubMed 19344236 (cited by Labcorp Genetics (formerly Invitae), Labcorp); PubMed 24922459 (cited by Labcorp Genetics (formerly Invitae), Labcorp); PubMed 25758994 (cited by Labcorp Genetics (formerly Invitae), Labcorp).